The following is an entry in ClinVar:

ClinVar aggregate classification (germline): Conflicting classifications of pathogenicity. Review status: criteria provided, conflicting classifications (1 of 4 stars). 3 submissions from 3 submitters: Uncertain significance (1); Likely benign (1). 1 of the submissions does not count toward it. Last evaluated 2024-11-22.

Conditions:
CCDC47-related disorder. Also called: CCDC47-related condition.

Allele frequency attached by ClinVar (database versions not stated): 1000 Genomes Project 0.00040; 1000 Genomes Project 30x 0.00047; ExAC 0.00159; gnomAD 0.00193; gnomAD exomes 0.00291; ESP Exome Variant Server 0.00292.
gnomAD v4.1: 4,500 of 1,614,034 alleles (0.28%); highest among the groups gnomAD compares: Non-Finnish European, 0.35%; 10 homozygotes.

Submissions (3):

Blueprint Genetics
Classification: Likely benign. Last evaluated: 2024-11-22. Review status: criteria provided, single submitter. Criteria: ACMG Guidelines, 2015. Collection method: clinical testing. Allele origin: germline.

CeGaT Center for Human Genetics Tuebingen
Classification: Uncertain significance. Last evaluated: 2023-12-01. Review status: criteria provided, single submitter. Criteria: CeGaT Center For Human Genetics Tuebingen Variant Classification Criteria Version 2. Collection method: clinical testing. Allele origin: germline. Affected: yes. Observed: 1 variant allele.

PreventionGenetics, part of Exact Sciences
Classification: Likely benign for CCDC47-related condition. Last evaluated: 2022-08-25. Review status: no assertion criteria provided. Collection method: clinical testing. Allele origin: germline. Not counted in ClinVar's aggregate classification.
Comment: This variant is classified as likely benign based on ACMG/AMP sequence variant interpretation guidelines (Richards et al. 2015 PMID: 25741868, with internal and published modifications).

NM_020198.3(CCDC47):c.118G>A (p.Ala40Thr)

Gene: CCDC47 (coiled-coil domain containing 47; minus strand). Cytogenetic location: 17q23.3.
Variant type: single nucleotide variant.
Coding change: c.118G>A on transcript NM_020198.3 (MANE Select); coding-DNA position 118, G replaced by A.
Protein change: p.Ala40Thr; replaces alanine 40 with threonine.
Molecular consequence: missense variant.
Genome position (GRCh38, 1-based): chr17:63,766,058, C>T on the plus strand (G>A on the coding strand, the complement: CCDC47 is on the minus strand). VCF-style: chr17-63766058-C-T. GRCh37 (hg19) VCF-style: chr17-61843418-C-T.
Other names: c.118G>A (NM_020198.2); short protein forms A40T.
Identifiers: ClinVar variation 3024891 (VCV003024891.24), dbSNP rs36034985, ClinGen allele CA8703991.
Genomic context (GRCh38, chr17:63,766,058, plus strand): 5'-TGATTATGACCCGTTGAGGAGATTCAGTAACAGAGTCTTCCATGACATCCTCAAATTCAG[C>T]GAAGTCATTATCATCATACTCTACTATGTCCTCCTCATCCTCAAAATCATCAAACTTGGC-3'
Protein context (NP_064583.2, residues 30-50): DIVEYDDNDF[Ala40Thr]EFEDVMEDSV